The following is an entry in ClinVar:

ClinVar aggregate classification (germline): Uncertain significance. Review status: reviewed by expert panel (3 of 4 stars). 6 submissions from 6 submitters: Uncertain significance (1). 5 of the submissions do not count toward it. Last evaluated 2024-12-06.

Conditions:
Type 2 diabetes mellitus. Also called: Type II diabetes mellitus. Identifiers: MedGen C0011860, MeSH D003924, MONDO:0005148, OMIM 125853, HP:0005978.
Fanconi renotubular syndrome 4 with maturity-onset diabetes of the young (FRTS4). Also called: FRTS4 WITH MODY. Identifiers: Orphanet 93111, MedGen C4014962, MONDO:0014458, OMIM 616026.
Maturity-onset diabetes of the young type 1. Also called: MODY type 1; Diabetes mellitus MODY type 1; MODY HNF4A related; HNF4A-Related Maturity-Onset Diabetes of the Young Type 1; MODY, type I; MILD JUVENILE DIABETES MELLITUS. Identifiers: Orphanet 552, MedGen C1852093, MONDO:0007452, OMIM 125850. Disease mechanism: loss of function.
Maturity-onset diabetes of the young (MODY). Also called: Maturity onset diabetes mellitus in young. Identifiers: Orphanet 552, MedGen C0342276, MONDO:0018911, HP:0004904.
Monogenic diabetes. Identifiers: Orphanet 183625, MedGen C3888631, MONDO:0015967.

Allele frequency attached by ClinVar (database versions not stated): gnomAD 0.00003; gnomAD exomes below 0.00001; TOPMed 0.00001.
gnomAD v4.1: 4 of 1,613,966 alleles (0.00025%); highest among the groups gnomAD compares: Non-Finnish European, 0.00034%; no homozygotes.

Submissions (6):

ClinGen Monogenic Diabetes Variant Curation Expert Panel
Classification: Uncertain significance for Monogenic diabetes. Last evaluated: 2024-12-06. Review status: reviewed by expert panel. Criteria: ClinGen Diabetes ACMG Specifications HNF4A V2.0.0. Collection method: curation. Allele origin: germline. Inheritance: Autosomal dominant inheritance.
Comment: The c.1097C>G variant in the hepatocyte nuclear factor 4 alpha gene, HNF4A, causes an amino acid change of proline to arginine at codon 366 (p.(Pro366Arg)) of NM_175914.5. This variant is absent from gnomAD v2.1.1 (PM2_Supporting). This variant has a REVEL score of 0.222, which is between the ClinGen MDEP thresholds for BP4 and PP3, predicting neither a damaging nor benign impact on HNF4A function. This variant was identified in 2 unrelated individuals with non-autoimmune and non-absolute/near-absolute insulin-deficient diabetes; however, PS4_Moderate cannot be applied because this number is below the ClinGen MDEP threshold (ClinVar, internal lab contributors). In summary, c.1097C>G meets the criteria to be classified as uncertain significance for monogenic diabetes. ACMG/AMP criteria applied, as specified by the ClinGen MDEP (specification version 2.0.0, approved 10/11/2023): PM2_supporting.

Labcorp Genetics (formerly Invitae), Labcorp
Classification: Uncertain significance. Last evaluated: 2024-03-31. Review status: criteria provided, single submitter. Criteria: Invitae Variant Classification Sherloc (09022015). Collection method: clinical testing. Allele origin: germline. Not counted in ClinVar's aggregate classification.
Comment: This sequence change replaces proline, which is neutral and non-polar, with arginine, which is basic and polar, at codon 366 of the HNF4A protein (p.Pro366Arg). This variant is present in population databases (rs193922469, gnomAD 0.002%). This variant has not been reported in the literature in individuals affected with HNF4A-related conditions. ClinVar contains an entry for this variant (Variation ID: 36342). Advanced modeling of protein sequence and biophysical properties (such as structural, functional, and spatial information, amino acid conservation, physicochemical variation, residue mobility, and thermodynamic stability) has been performed at Invitae for this missense variant, however the output from this modeling did not meet the statistical confidence thresholds required to predict the impact of this variant on HNF4A protein function. In summary, the available evidence is currently insufficient to determine the role of this variant in disease. Therefore, it has been classified as a Variant of Uncertain Significance.

Mendelics
Classification: Uncertain significance. Last evaluated: 2022-05-04. Review status: criteria provided, single submitter. Criteria: Mendelics Assertion Criteria 2019. Collection method: clinical testing. Allele origin: germline. Not counted in ClinVar's aggregate classification.

Department of Pathology and Laboratory Medicine, Sinai Health System
Classification: Uncertain significance for Maturity-onset diabetes of the young type 1; Type 2 diabetes mellitus; Fanconi renotubular syndrome 4 with maturity-onset diabetes of the young. Last evaluated: 2022-03-17. Review status: criteria provided, single submitter. Criteria: ACMG Guidelines, 2015. Collection method: research. Allele origin: germline. Not counted in ClinVar's aggregate classification.

Women's Health and Genetics/Laboratory Corporation of America, LabCorp
Classification: Likely pathogenic for MODY1. Last evaluated: 2011-08-18. Review status: criteria provided, single submitter. Criteria: LabCorp Variant Classification Summary - May 2015. Collection method: curation, clinical testing. Allele origin: germline. Inheritance: autosomal unknown. Affected: yes. Not counted in ClinVar's aggregate classification.
ClinVar note: Converted during submission from likely pathogenic to Likely pathogenic.

Clinical Genomics, Uppaluri K&H Personalized Medicine Clinic
Classification: Uncertain risk allele for Maturity-onset diabetes of the young. Review status: criteria provided, single submitter. Criteria: K & H Uppaluri Personalized Medicine Clinic Variant Classification & Assertion Criteria_Updated V.1. Collection method: research. Allele origin: unknown. Inheritance: Autosomal dominant inheritance. Not counted in ClinVar's aggregate classification.
Comment: Potent mutations in HNF4A are associated with poor insulin secretion in response to hyperglycemia. Associated with MODY1. Patients initially respond well to sulfonylureas but eventually become insulin dependent. However, more evidence is required to ascertain the role of this particular variant rs193922469 in MODY, yet.

Literature cited by the submitters: DOI 10.1159/000334532 (cited by Clinical Genomics, Uppaluri K&H Personalized Medicine Clinic); PubMed 18268044 (cited by Clinical Genomics, Uppaluri K&H Personalized Medicine Clinic); PubMed 17563455 (cited by Clinical Genomics, Uppaluri K&H Personalized Medicine Clinic); PubMed 32583173 (cited by Clinical Genomics, Uppaluri K&H Personalized Medicine Clinic); PubMed 35052457 (cited by Clinical Genomics, Uppaluri K&H Personalized Medicine Clinic); PubMed 35118593 (cited by Clinical Genomics, Uppaluri K&H Personalized Medicine Clinic).

NM_175914.5(HNF4A):c.1097C>G (p.Pro366Arg)

Gene: HNF4A (hepatocyte nuclear factor 4 alpha; plus strand). Cytogenetic location: 20q13.12.
Variant type: single nucleotide variant.
Coding change: c.1097C>G on transcript NM_175914.5 (MANE Select); coding-DNA position 1097, C replaced by G.
Protein change: p.Pro366Arg; replaces proline 366 with arginine.
Molecular consequence: missense variant.
Genome position (GRCh38, 1-based): chr20:44,428,368, C>G. VCF-style: chr20-44428368-C-G. GRCh37 (hg19) VCF-style: chr20-43057008-C-G.
Other names: NM_175914.5(HNF4A):c.1097C>G; p.Pro366Arg; c.1163C>G, p.Pro388Arg (NM_000457.6, NM_178849.3); c.1097C>G, p.Pro366Arg (NM_001030003.3); c.1142C>G, p.Pro381Arg (NM_001258355.2); c.1088C>G, p.Pro363Arg (NM_001287182.2, NM_001287183.2); c.1097C>G (NM_175914.4); short protein forms P366R, P388R, P363R, P381R.
Identifiers: ClinVar variation 36342 (VCV000036342.9), dbSNP rs193922469, ClinGen allele CA213892.